The following is an entry in ClinVar:

ClinVar aggregate classification (germline): Uncertain significance (1 of 4 stars; one submission).

gnomAD v4.1: 15 of 1,535,890 alleles (0.00098%); highest among the groups gnomAD compares: African/African-American, 0.0086%; no homozygotes.

Submission:

Labcorp Genetics (formerly Invitae), Labcorp
Classification: Uncertain significance. Last evaluated: 2026-01-26. Review status: criteria provided, single submitter. Criteria: Invitae Variant Classification Sherloc (09022015). Collection method: clinical testing. Allele origin: germline.
Comment: This sequence change replaces proline, which is neutral and non-polar, with leucine, which is neutral and non-polar, at codon 31 of the ITM2B protein (p.Pro31Leu). The frequency data for this variant in the population databases is considered unreliable, as metrics indicate poor data quality at this position in the gnomAD database. This variant has not been reported in the literature in individuals affected with ITM2B-related conditions. ClinVar contains an entry for this variant (Variation ID: 3610464). An algorithm developed to predict the effect of missense changes on protein structure and function (PolyPhen-2) suggests that this variant is likely to be tolerated. In summary, the available evidence is currently insufficient to determine the role of this variant in disease. Therefore, it has been classified as a Variant of Uncertain Significance.

NM_021999.5(ITM2B):c.92C>T (p.Pro31Leu)

Genes: ITM2B (integral membrane protein 2B; plus strand), LOC130009752 (ATAC-STARR-seq lymphoblastoid silent region 5332; plus strand). Cytogenetic location: 13q14.2.
Variant type: single nucleotide variant.
Coding change: c.92C>T on transcript NM_021999.5 (MANE Select); coding-DNA position 92, C replaced by T.
Protein change: p.Pro31Leu; replaces proline 31 with leucine.
Molecular consequence: missense variant.
Genome position (GRCh38, 1-based): chr13:48,233,452, C>T. VCF-style: chr13-48233452-C-T. GRCh37 (hg19) VCF-style: chr13-48807588-C-T.
Other names: short protein forms P31L.
Identifiers: ClinVar variation 3610464 (VCV003610464.2).